The following is an entry in ClinVar:

NM_002890.3(RASA1):c.1847G>A (p.Cys616Tyr)

Genes: CCNH (cyclin H; minus strand), RASA1 (RAS p21 protein activator 1; plus strand). Cytogenetic location: 5q14.3.
Variant type: single nucleotide variant.
Coding change: c.1847G>A on transcript NM_002890.3 (MANE Select); coding-DNA position 1847, G replaced by A.
Protein change: p.Cys616Tyr; replaces cysteine 616 with tyrosine.
Molecular consequence: missense variant. On other transcripts: intron variant (1).
Genome position (GRCh38, 1-based): chr5:87,374,233, G>A. VCF-style: chr5-87374233-G-A. GRCh37 (hg19) VCF-style: chr5-86670050-G-A.
Other names: c.1316G>A, p.Cys439Tyr (NM_022650.3); c.933+20811C>T (NM_001364075.2); short protein forms C439Y, C616Y.
Identifiers: ClinVar variation 3253307 (VCV003253307.1), dbSNP rs2531338457.
Genomic context (GRCh38, chr5:87,374,233, plus strand): 5'-TTGTTTTACATATTGAAGAAGCCCATAAACTCCCAGTAAAACATTTTACTAATCCATATT[G>A]TAACATCTACCTGAATAGTGTCCAAGTAGCAAAAACTCATGCAAGGGAAGGGCAAAACCC-3'
Protein context (NP_002881.1, residues 606-626): LPVKHFTNPY[Cys616Tyr]NIYLNSVQVA

ClinVar aggregate classification (germline): Uncertain significance (1 of 4 stars; one submission).

Submission:

GeneDx
Classification: Uncertain significance. Last evaluated: 2023-11-02. Review status: criteria provided, single submitter. Criteria: GeneDx Variant Classification Process June 2021. Collection method: clinical testing. Allele origin: germline. Affected: yes.
Comment: Not observed in large population cohorts (gnomAD); In silico analysis supports that this missense variant has a deleterious effect on protein structure/function; Has not been previously published as pathogenic or benign to our knowledge